The following is an entry in ClinVar:

ClinVar aggregate classification (germline): Uncertain significance (1 of 4 stars; one submission).

Conditions:
Early-infantile DEE. Also called: Ohtahara syndrome; Early infantile epileptic encephalopathy with suppression bursts; Early infantile epileptic encephalopathy. Identifiers: Orphanet 1934, MedGen C0393706, MONDO:0800491.

Submission:

Labcorp Genetics (formerly Invitae), Labcorp
Classification: Uncertain significance for Early-infantile DEE. Last evaluated: 2023-10-10. Review status: criteria provided, single submitter. Criteria: Invitae Variant Classification Sherloc (09022015). Collection method: clinical testing. Allele origin: germline.
Comment: This sequence change replaces threonine, which is neutral and polar, with serine, which is neutral and polar, at codon 782 of the SCN1A protein (p.Thr782Ser). This variant is not present in population databases (gnomAD no frequency). This missense change has been observed in individual(s) with febrile seizures plus (PMID: 33895391). ClinVar contains an entry for this variant (Variation ID: 856834). Advanced modeling of protein sequence and biophysical properties (such as structural, functional, and spatial information, amino acid conservation, physicochemical variation, residue mobility, and thermodynamic stability) performed at Invitae indicates that this missense variant is expected to disrupt SCN1A protein function. In summary, the available evidence is currently insufficient to determine the role of this variant in disease. Therefore, it has been classified as a Variant of Uncertain Significance.

Literature cited by the submitters: PubMed 33895391.

NM_001165963.4(SCN1A):c.2344A>T (p.Thr782Ser)

Gene: SCN1A (sodium voltage-gated channel alpha subunit 1; minus strand). Cytogenetic location: 2q24.3.
Variant type: single nucleotide variant.
Coding change: c.2344A>T on transcript NM_001165963.4 (MANE Select); coding-DNA position 2344, A replaced by T.
Protein change: p.Thr782Ser; replaces threonine 782 with serine.
Molecular consequence: missense variant. On other transcripts: 5 prime UTR variant (1), non-coding transcript variant (1).
Genome position (GRCh38, 1-based): chr2:166,041,302, T>A on the plus strand (A>T on the coding strand, the complement: SCN1A is on the minus strand). VCF-style: chr2-166041302-T-A. GRCh37 (hg19) VCF-style: chr2-166897812-T-A.
Other names: c.2260A>T, p.Thr754Ser (NM_001165964.3, NM_001353957.2, NM_001353958.2); c.2344A>T, p.Thr782Ser (NM_001202435.3, NM_001353948.2); c.2311A>T, p.Thr771Ser (NM_001353949.2, NM_001353950.2, NM_001353951.2 and 2 more transcripts); c.2308A>T, p.Thr770Ser (NM_001353954.2, NM_001353955.2); c.2257A>T, p.Thr753Ser (NM_001353960.2); c.-115A>T (NM_001353961.2); short protein forms T782S, T754S, T753S, T770S, T771S.
Identifiers: ClinVar variation 856834 (VCV000856834.10), dbSNP rs1574202324, ClinGen allele CA349064129.